The following is an entry in ClinVar:

ClinVar aggregate classification (germline): Uncertain significance (1 of 4 stars; one submission).

Conditions:
Cardiovascular phenotype. Identifiers: MedGen CN230736.

gnomAD v4.1: 1 of 1,613,842 alleles (0.000062%); no homozygotes.

Submission:

Ambry Genetics
Classification: Uncertain significance for Cardiovascular phenotype. Last evaluated: 2024-03-15. Review status: criteria provided, single submitter. Criteria: Ambry Variant Classification Scheme 2023. Collection method: clinical testing. Allele origin: germline.
Comment: The p.S323T variant (also known as c.968G>C), located in coding exon 4 of the BAG3 gene, results from a G to C substitution at nucleotide position 968. The serine at codon 323 is replaced by threonine, an amino acid with similar properties. This amino acid position is conserved. In addition, this alteration is predicted to be tolerated by in silico analysis. Based on the available evidence, the clinical significance of this alteration remains unclear.

NM_004281.4(BAG3):c.968G>C (p.Ser323Thr)

Gene: BAG3 (BAG cochaperone 3; plus strand). Cytogenetic location: 10q26.11.
Variant type: single nucleotide variant.
Coding change: c.968G>C on transcript NM_004281.4 (MANE Select); coding-DNA position 968, G replaced by C.
Protein change: p.Ser323Thr; replaces serine 323 with threonine.
Molecular consequence: missense variant.
Genome position (GRCh38, 1-based): chr10:119,676,522, G>C. VCF-style: chr10-119676522-G-C. GRCh37 (hg19) VCF-style: chr10-121436034-G-C.
Other names: short protein forms S323T.
Identifiers: ClinVar variation 3260172 (VCV003260172.1).